The following is an entry in ClinVar:

NM_000426.4(LAMA2):c.4821A>C (p.Lys1607Asn)

Gene: LAMA2 (laminin subunit alpha 2; plus strand). Cytogenetic location: 6q22.33.
Variant type: single nucleotide variant.
Coding change: c.4821A>C on transcript NM_000426.4 (MANE Select); coding-DNA position 4821, A replaced by C.
Protein change: p.Lys1607Asn; replaces lysine 1607 with asparagine.
Molecular consequence: missense variant.
Genome position (GRCh38, 1-based): chr6:129,366,322, A>C. VCF-style: chr6-129366322-A-C. GRCh37 (hg19) VCF-style: chr6-129687467-A-C.
Other names: c.4821A>C, p.Lys1607Asn (NM_001079823.2); short protein forms K1607N.
Identifiers: ClinVar variation 1350572 (VCV001350572.5), dbSNP rs748765819, ClinGen allele CA3993679.

ClinVar aggregate classification (germline): Uncertain significance (1 of 4 stars; one submission).

Conditions:
LAMA2-related muscular dystrophy (LAMA2-RD). Also called: Laminin alpha 2-related dystrophy. Identifiers: MedGen C5679788, MONDO:0100228.

Allele frequency attached by ClinVar (database versions not stated): gnomAD exomes below 0.00001; ExAC 0.00001.
gnomAD v4.1: 5 of 1,613,884 alleles (0.00031%); highest among the groups gnomAD compares: Non-Finnish European, 0.00042%; no homozygotes.

Submission:

Labcorp Genetics (formerly Invitae), Labcorp
Classification: Uncertain significance for LAMA2-related muscular dystrophy. Last evaluated: 2021-08-31. Review status: criteria provided, single submitter. Criteria: Invitae Variant Classification Sherloc (09022015). Collection method: clinical testing. Allele origin: germline.
Comment: This sequence change replaces lysine with asparagine at codon 1607 of the LAMA2 protein (p.Lys1607Asn). The lysine residue is moderately conserved and there is a moderate physicochemical difference between lysine and asparagine. This variant is present in population databases (rs748765819, ExAC 0.002%). This variant has not been reported in the literature in individuals affected with LAMA2-related conditions. Advanced modeling of protein sequence and biophysical properties (such as structural, functional, and spatial information, amino acid conservation, physicochemical variation, residue mobility, and thermodynamic stability) performed at Invitae indicates that this missense variant is not expected to disrupt LAMA2 protein function. In summary, the available evidence is currently insufficient to determine the role of this variant in disease. Therefore, it has been classified as a Variant of Uncertain Significance.